The following is an entry in ClinVar:

NC_000022.10:g.(?_18561143)_(18568044_?)del

Gene: PEX26 (peroxisomal biogenesis factor 26; plus strand). Cytogenetic location: 22q11.21.
Variant type: Deletion.
Identifiers: ClinVar variation 1456609 (VCV001456609.5).

ClinVar aggregate classification (germline): Pathogenic (1 of 4 stars; one submission).

Conditions:
Peroxisome biogenesis disorder 7A (Zellweger). Also called: Peroxisome biogenesis disorder 7A. Identifiers: Orphanet 912, MedGen C3888385, MONDO:0013938, OMIM 614872.
Peroxisome biogenesis disorder 7B (PBD7B). Identifiers: Orphanet 44, MedGen C3553951, MONDO:0013939, OMIM 614873.

Submission:

Labcorp Genetics (formerly Invitae), Labcorp
Classification: Pathogenic for Peroxisome biogenesis disorder 7A (Zellweger); Peroxisome biogenesis disorder 7B. Last evaluated: 2023-11-11. Review status: criteria provided, single submitter. Criteria: Invitae Variant Classification Sherloc (09022015). Collection method: clinical testing. Allele origin: germline.
Comment: This variant is a gross deletion of the genomic region encompassing exon(s) 2-5 of the PEX26 gene, which includes the initiator codon. This deletion extends beyond the assayed region for this gene and therefore may encompass additional genes. It is expected to result in an absent or disrupted protein product. Loss-of-function variants in PEX26 are known to be pathogenic (PMID: 12851857, 21031596). This variant has not been reported in the literature in individuals affected with PEX26-related conditions. For these reasons, this variant has been classified as Pathogenic.

Literature cited by the submitters: PubMed 12851857; PubMed 21031596.